The following is an entry in ClinVar:

ClinVar aggregate classification (germline): Uncertain significance (1 of 4 stars; one submission).

Conditions:
Neurofibromatosis, type 1 (NF1). Also called: NEUROFIBROMATOSIS, TYPE I, SOMATIC; Neurofibromatosis, type I; Peripheral type neurofibromatosis; VON RECKLINGHAUSEN DISEASE. Identifiers: Orphanet 636, MedGen C0027831, MONDO:0018975, OMIM 162200. Disease mechanism: loss of function.

Submission:

Labcorp Genetics (formerly Invitae), Labcorp
Classification: Uncertain significance for Neurofibromatosis, type 1. Last evaluated: 2021-12-02. Review status: criteria provided, single submitter. Criteria: Invitae Variant Classification Sherloc (09022015). Collection method: clinical testing. Allele origin: germline.
Comment: This sequence change replaces glutamic acid, which is acidic and polar, with glycine, which is neutral and non-polar, at codon 1320 of the NF1 protein (p.Glu1320Gly). This variant is not present in population databases (gnomAD no frequency). This variant has not been reported in the literature in individuals affected with NF1-related conditions. Advanced modeling of protein sequence and biophysical properties (such as structural, functional, and spatial information, amino acid conservation, physicochemical variation, residue mobility, and thermodynamic stability) performed at Invitae indicates that this missense variant is expected to disrupt NF1 protein function. In summary, the available evidence is currently insufficient to determine the role of this variant in disease. Therefore, it has been classified as a Variant of Uncertain Significance.

NM_001042492.3(NF1):c.3959A>G (p.Glu1320Gly)

Gene: NF1 (neurofibromin 1; plus strand). Cytogenetic location: 17q11.2.
Variant type: single nucleotide variant.
Coding change: c.3959A>G on transcript NM_001042492.3 (MANE Select); coding-DNA position 3959, A replaced by G.
Protein change: p.Glu1320Gly; replaces glutamic acid 1320 with glycine.
Molecular consequence: missense variant.
Genome position (GRCh38, 1-based): chr17:31,236,006, A>G. VCF-style: chr17-31236006-A-G. GRCh37 (hg19) VCF-style: chr17-29563024-A-G.
Other names: c.3959A>G, p.Glu1320Gly (NM_000267.4); short protein forms E1320G.
Identifiers: ClinVar variation 2027284 (VCV002027284.4), dbSNP rs1555615562, ClinGen allele CA398993300.
Genomic context (GRCh38, chr17:31,236,006, plus strand): 5'-TCCTGGATCCTTTATTACGAATTGTGATCACATCCTCTGATTGGCAACATGTTAGCTTTG[A>G]AGTGGATCCTACCAGGTTTGTCATCTTTTCACATAGAACCGCTGTTTTTTGTTTTTTTTT-3'
Protein context (NP_001035957.1, residues 1310-1330): TSSDWQHVSF[Glu1320Gly]VDPTRLEPSE